The following is an entry in ClinVar:

ClinVar aggregate classification (germline): Uncertain significance (1 of 4 stars; one submission).

Submission:

Labcorp Genetics (formerly Invitae), Labcorp
Classification: Uncertain significance. Last evaluated: 2022-03-10. Review status: criteria provided, single submitter. Criteria: Invitae Variant Classification Sherloc (09022015). Collection method: clinical testing. Allele origin: germline.
Comment: This sequence change replaces cysteine, which is neutral and slightly polar, with tyrosine, which is neutral and polar, at codon 3945 of the USH2A protein (p.Cys3945Tyr). This variant is not present in population databases (gnomAD no frequency). This variant has not been reported in the literature in individuals affected with USH2A-related conditions. Algorithms developed to predict the effect of missense changes on protein structure and function (SIFT, PolyPhen-2, Align-GVGD) all suggest that this variant is likely to be tolerated. In summary, the available evidence is currently insufficient to determine the role of this variant in disease. Therefore, it has been classified as a Variant of Uncertain Significance.

NM_206933.4(USH2A):c.11834G>A (p.Cys3945Tyr)

Gene: USH2A (usherin; minus strand). Cytogenetic location: 1q41.
Variant type: single nucleotide variant.
Coding change: c.11834G>A on transcript NM_206933.4 (MANE Select); coding-DNA position 11834, G replaced by A.
Protein change: p.Cys3945Tyr; replaces cysteine 3945 with tyrosine.
Molecular consequence: missense variant.
Genome position (GRCh38, 1-based): chr1:215,728,262, C>T on the plus strand (G>A on the coding strand, the complement: USH2A is on the minus strand). VCF-style: chr1-215728262-C-T. GRCh37 (hg19) VCF-style: chr1-215901604-C-T.
Other names: short protein forms C3945Y.
Identifiers: ClinVar variation 2188963 (VCV002188963.1), dbSNP rs2465050070, ClinGen allele CA344829058.
Genomic context (GRCh38, chr1:215,728,262, plus strand): 5'-GGTGGAGCTTCCAGAGTTTGTGTTAATGACCACAGACTCTCCACTGAACCCTTGGAGTTA[C>T]AGGCTCTGACCCGATATTCGTAGAGTGTGAAAGGCCTCAGGGTGTCTCCTTCATCCATAA-3'
Protein context (NP_996816.3, residues 3935-3955): FTLYEYRVRA[Cys3945Tyr]NSKGSVESLW